The following is an entry in ClinVar:

ClinVar aggregate classification (germline): Uncertain significance. Review status: criteria provided, multiple submitters, no conflicts (2 of 4 stars). 2 submissions from 2 submitters: Uncertain significance (2). Last evaluated 2025-08-18.

Conditions:
Inborn genetic diseases. Identifiers: MedGen C0950123, MeSH D030342.
Autosomal recessive limb-girdle muscular dystrophy type R18 (LGMDR18). Also called: MUSCULAR DYSTROPHY, LIMB-GIRDLE, AUTOSOMAL RECESSIVE 18; Limb-girdle muscular dystrophy, type 2S; Autosomal recessive limb-girdle muscular dystrophy type 2S. Identifiers: Orphanet 369840, MedGen C4517996, MONDO:0014144, OMIM 615356.

Allele frequency attached by ClinVar (database versions not stated): ExAC 0.00001; 1000 Genomes Project 0.00020; 1000 Genomes Project 30x 0.00031.
gnomAD v4.1: 3 of 1,614,160 alleles (0.00019%); highest among the groups gnomAD compares: South Asian, 0.0011%; no homozygotes.

Submissions (2):

Labcorp Genetics (formerly Invitae), Labcorp
Classification: Uncertain significance for Autosomal recessive limb-girdle muscular dystrophy type R18. Last evaluated: 2025-08-18. Review status: criteria provided, single submitter. Criteria: Invitae Variant Classification Sherloc (09022015). Collection method: clinical testing. Allele origin: germline.
Comment: This sequence change replaces valine, which is neutral and non-polar, with isoleucine, which is neutral and non-polar, at codon 36 of the TRAPPC11 protein (p.Val36Ile). This variant is present in population databases (rs530405458, gnomAD 0.003%). This variant has not been reported in the literature in individuals affected with TRAPPC11-related conditions. ClinVar contains an entry for this variant (Variation ID: 1394675). Invitae Evidence Modeling of protein sequence and biophysical properties (such as structural, functional, and spatial information, amino acid conservation, physicochemical variation, residue mobility, and thermodynamic stability) indicates that this missense variant is not expected to disrupt TRAPPC11 protein function with a negative predictive value of 80%. In summary, the available evidence is currently insufficient to determine the role of this variant in disease. Therefore, it has been classified as a Variant of Uncertain Significance.

Ambry Genetics
Classification: Uncertain significance for Inborn genetic diseases. Last evaluated: 2025-03-18. Review status: criteria provided, single submitter. Criteria: Ambry Variant Classification Scheme 2023. Collection method: clinical testing. Allele origin: germline.

NM_021942.6(TRAPPC11):c.106G>A (p.Val36Ile)

Gene: TRAPPC11 (trafficking protein particle complex subunit 11; plus strand). Cytogenetic location: 4q35.1.
Variant type: single nucleotide variant.
Coding change: c.106G>A on transcript NM_021942.6 (MANE Select); coding-DNA position 106, G replaced by A.
Protein change: p.Val36Ile; replaces valine 36 with isoleucine.
Molecular consequence: missense variant.
Genome position (GRCh38, 1-based): chr4:183,663,973, G>A. VCF-style: chr4-183663973-G-A. GRCh37 (hg19) VCF-style: chr4-184585126-G-A.
Other names: c.106G>A, p.Val36Ile (NM_199053.3); c.106G>A (NM_021942.4); short protein forms V36I.
Identifiers: ClinVar variation 1394675 (VCV001394675.7), dbSNP rs530405458, ClinGen allele CA3151481.